The following is an entry in ClinVar:

ClinVar aggregate classification (germline): Uncertain significance (1 of 4 stars; one submission).

Conditions:
Hereditary cancer-predisposing syndrome. Also called: Neoplastic Syndromes, Hereditary; Hereditary Cancer Syndrome; Hereditary neoplastic syndrome; Tumor predisposition. Identifiers: Orphanet 140162, MedGen C0027672, MeSH D009386, MONDO:0015356.

Submission:

Ambry Genetics
Classification: Uncertain significance for Hereditary cancer-predisposing syndrome. Last evaluated: 2025-08-05. Review status: criteria provided, single submitter. Criteria: Ambry Variant Classification Scheme 2023. Collection method: clinical testing. Allele origin: germline.
Comment: The p.F76L variant (also known as c.226T>C), located in coding exon 1 of the VHL gene, results from a T to C substitution at nucleotide position 226. The phenylalanine at codon 76 is replaced by leucine, an amino acid with highly similar properties. Another variant, c.228C>G, leading to the same protein substitution was observed in at least one individual with a personal and/or family history that is consistent with VHL-related disease (Li C et al. Hum Mutat, 1998;Suppl 1:S31-3). Based on internal structural analysis, this variant is mildly destabilizing to the local structure (Ambry internal data). This variant was determined to have intermediate function in one saturation genome editing assay (Buckley M et al. Nat Genet, 2024 Jul;56:1446-1455). This variant is considered to be rare based on population cohorts in the Genome Aggregation Database (gnomAD). This amino acid position is highly conserved in available vertebrate species. In addition, this alteration is predicted to be deleterious by in silico analysis. Based on the available evidence, the clinical significance of this variant is unclear.

Literature cited by the submitters: PubMed 38969834; PubMed 9452032.

NM_000551.4(VHL):c.226T>C (p.Phe76Leu)

Gene: VHL (von Hippel-Lindau tumor suppressor; plus strand). Cytogenetic location: 3p25.3.
Variant type: single nucleotide variant.
Coding change: c.226T>C on transcript NM_000551.4 (MANE Select); coding-DNA position 226, T replaced by C.
Protein change: p.Phe76Leu; replaces phenylalanine 76 with leucine.
Molecular consequence: missense variant. On other transcripts: non-coding transcript variant (1).
Genome position (GRCh38, 1-based): chr3:10,142,073, T>C. VCF-style: chr3-10142073-T-C. GRCh37 (hg19) VCF-style: chr3-10183757-T-C.
Other names: c.226T>C, p.Phe76Leu (NM_001354723.2, NM_198156.3); short protein forms F76L.
Identifiers: ClinVar variation 2566469 (VCV002566469.3), dbSNP rs1559425911, ClinGen allele CA351749223.